The following is an entry in ClinVar:

NM_000132.4(F8):c.5878C>T (p.Arg1960Ter)

Gene: F8 (coagulation factor VIII; minus strand). Cytogenetic location: Xq28.
Variant type: single nucleotide variant.
Coding change: c.5878C>T on transcript NM_000132.4 (MANE Select); coding-DNA position 5878, C replaced by T.
Protein change: p.Arg1960Ter; replaces arginine 1960 with a stop codon.
Molecular consequence: nonsense.
Genome position (GRCh38, 1-based): chrX:154,904,026, G>A on the plus strand (C>T on the coding strand, the complement: F8 is on the minus strand). VCF-style: chrX-154904026-G-A. GRCh37 (hg19) VCF-style: chrX-154132301-G-A.
Other names: short protein forms R1960*.
Identifiers: ClinVar variation 10118 (VCV000010118.7), dbSNP rs137852363, ClinGen allele CA255024.

ClinVar aggregate classification (germline): Pathogenic. Review status: criteria provided, single submitter (1 of 4 stars). 3 submissions from 3 submitters: Pathogenic (1). 2 of the submissions do not count toward it. Last evaluated 2024-07-17.

Conditions:
Hereditary factor VIII deficiency disease (HEMA). Also called: HEMOPHILIA, CLASSIC; AUTOSOMAL HEMOPHILIA A; Hemophilia A; Hemophilia A, congenital; HEM A; Factor 8 deficiency, congenital. Identifiers: Orphanet 98878, MedGen C0019069, MONDO:0010602, OMIM 306700.

Submissions (3):

Myriad Genetics, Inc.
Classification: Pathogenic for Hereditary factor VIII deficiency disease. Last evaluated: 2024-07-17. Review status: criteria provided, single submitter. Criteria: Myriad Autosomal Dominant, Autosomal Recessive and X-Linked Classification Criteria (2023). Collection method: clinical testing. Allele origin: unknown.
Comment: NM_000132.3(F8):c.5878C>T(R1960*) is expected to be pathogenic in the context of hemophilia A. This variant is predicted to lead to an abnormal or absent protein product due to the creation of a premature termination codon in F8, a gene where loss-of-function variants are known to be pathogenic. Please note: this variant was assessed in the context of healthy population screening.

Angelo Bianchi Bonomi Hemophilia and Thrombosis Center, Fondazione IRCCS Ca Granda Ospedale Maggiore Policlinico
Classification: Pathogenic for Hereditary factor VIII deficiency disease. Last evaluated: 2019-06-01. Review status: no assertion criteria provided. Collection method: clinical testing. Allele origin: germline. Affected: yes. Observed: 1 variant allele. Not counted in ClinVar's aggregate classification.

OMIM
Classification: Pathogenic for HEMOPHILIA A. Last evaluated: 1986-11-27. Review status: no assertion criteria provided. Collection method: literature only. Allele origin: germline. Not counted in ClinVar's aggregate classification.

Literature cited by the submitters: PubMed 2993888 (cited by Angelo Bianchi Bonomi Hemophilia and Thrombosis Center, Fondazione IRCCS Ca Granda Ospedale Maggiore Policlinico and OMIM); PubMed 2105106 (cited by Angelo Bianchi Bonomi Hemophilia and Thrombosis Center, Fondazione IRCCS Ca Granda Ospedale Maggiore Policlinico); PubMed 19740093 (cited by Angelo Bianchi Bonomi Hemophilia and Thrombosis Center, Fondazione IRCCS Ca Granda Ospedale Maggiore Policlinico); PubMed 16769589 (cited by Angelo Bianchi Bonomi Hemophilia and Thrombosis Center, Fondazione IRCCS Ca Granda Ospedale Maggiore Policlinico); PubMed 15921397 (cited by Angelo Bianchi Bonomi Hemophilia and Thrombosis Center, Fondazione IRCCS Ca Granda Ospedale Maggiore Policlinico); PubMed 7959679 (cited by Angelo Bianchi Bonomi Hemophilia and Thrombosis Center, Fondazione IRCCS Ca Granda Ospedale Maggiore Policlinico); PubMed 2473810 (cited by Angelo Bianchi Bonomi Hemophilia and Thrombosis Center, Fondazione IRCCS Ca Granda Ospedale Maggiore Policlinico); PubMed 1523102 (cited by Angelo Bianchi Bonomi Hemophilia and Thrombosis Center, Fondazione IRCCS Ca Granda Ospedale Maggiore Policlinico); PubMed 11858487 (cited by Angelo Bianchi Bonomi Hemophilia and Thrombosis Center, Fondazione IRCCS Ca Granda Ospedale Maggiore Policlinico); PubMed 1412186 (cited by Angelo Bianchi Bonomi Hemophilia and Thrombosis Center, Fondazione IRCCS Ca Granda Ospedale Maggiore Policlinico); PubMed 17445092 (cited by Angelo Bianchi Bonomi Hemophilia and Thrombosis Center, Fondazione IRCCS Ca Granda Ospedale Maggiore Policlinico); PubMed 8485051 (cited by Angelo Bianchi Bonomi Hemophilia and Thrombosis Center, Fondazione IRCCS Ca Granda Ospedale Maggiore Policlinico); PubMed 10404764 (cited by Angelo Bianchi Bonomi Hemophilia and Thrombosis Center, Fondazione IRCCS Ca Granda Ospedale Maggiore Policlinico); PubMed 3097553 (cited by Angelo Bianchi Bonomi Hemophilia and Thrombosis Center, Fondazione IRCCS Ca Granda Ospedale Maggiore Policlinico and OMIM); PubMed 29296726 (cited by Angelo Bianchi Bonomi Hemophilia and Thrombosis Center, Fondazione IRCCS Ca Granda Ospedale Maggiore Policlinico); PubMed 16786531 (cited by Angelo Bianchi Bonomi Hemophilia and Thrombosis Center, Fondazione IRCCS Ca Granda Ospedale Maggiore Policlinico).